The following is an entry in ClinVar:

ClinVar aggregate classification (germline): Uncertain significance (1 of 4 stars; one submission).

Conditions:
Epileptic encephalopathy. Identifiers: MedGen C0543888, HP:0200134.

Allele frequency attached by ClinVar (database versions not stated): gnomAD exomes below 0.00001.
gnomAD v4.1: 1 of 1,612,708 alleles (0.000062%); highest among the groups gnomAD compares: Non-Finnish European, 0.000085%; no homozygotes.

Submission:

Labcorp Genetics (formerly Invitae), Labcorp
Classification: Uncertain significance for Epileptic encephalopathy. Last evaluated: 2021-05-10. Review status: criteria provided, single submitter. Criteria: Invitae Variant Classification Sherloc (09022015). Collection method: clinical testing. Allele origin: germline.
Comment: Algorithms developed to predict the effect of missense changes on protein structure and function output the following: SIFT: "Tolerated"; PolyPhen-2: "Benign"; Align-GVGD: "Class C0". The isoleucine amino acid residue is found in multiple mammalian species, suggesting that this missense change does not adversely affect protein function. These predictions have not been confirmed by published functional studies and their clinical significance is uncertain. This variant has not been reported in the literature in individuals with FASN-related conditions. This variant is not present in population databases (ExAC no frequency). This sequence change replaces threonine with isoleucine at codon 930 of the FASN protein (p.Thr930Ile). The threonine residue is weakly conserved and there is a moderate physicochemical difference between threonine and isoleucine. In summary, the available evidence is currently insufficient to determine the role of this variant in disease. Therefore, it has been classified as a Variant of Uncertain Significance.

NM_004104.5(FASN):c.2789C>T (p.Thr930Ile)

Gene: FASN (fatty acid synthase; minus strand). Cytogenetic location: 17q25.3.
Variant type: single nucleotide variant.
Coding change: c.2789C>T on transcript NM_004104.5 (MANE Select); coding-DNA position 2789, C replaced by T.
Protein change: p.Thr930Ile; replaces threonine 930 with isoleucine.
Molecular consequence: missense variant.
Genome position (GRCh38, 1-based): chr17:82,088,031, G>A on the plus strand (C>T on the coding strand, the complement: FASN is on the minus strand). VCF-style: chr17-82088031-G-A. GRCh37 (hg19) VCF-style: chr17-80045907-G-A.
Other names: short protein forms T930I.
Identifiers: ClinVar variation 1480639 (VCV001480639.8), dbSNP rs2144795862, ClinGen allele CA401555748.